The following is an entry in ClinVar:

NM_001123385.2(BCOR):c.3225C>T (p.Asn1075=)

Gene: BCOR (BCL6 corepressor; minus strand). Cytogenetic location: Xp11.4.
Variant type: single nucleotide variant.
Coding change: c.3225C>T on transcript NM_001123385.2 (MANE Select); coding-DNA position 3225, C replaced by T.
Protein change: p.Asn1075=; no amino-acid change (asparagine 1075 retained).
Molecular consequence: synonymous variant.
Genome position (GRCh38, 1-based): chrX:40,070,986, G>A on the plus strand (C>T on the coding strand, the complement: BCOR is on the minus strand). VCF-style: chrX-40070986-G-A. GRCh37 (hg19) VCF-style: chrX-39930239-G-A.
Other names: c.3225C>T, p.Asn1075= (NM_001123383.2, NM_017745.6); c.3171C>T, p.Asn1057= (NM_001123384.2).
Identifiers: ClinVar variation 2891677 (VCV002891677.4), dbSNP rs375752421, ClinGen allele CA10386684.

ClinVar aggregate classification (germline): Benign. Review status: criteria provided, multiple submitters, no conflicts (2 of 4 stars). 2 submissions from 2 submitters: Benign (2). Last evaluated 2024-10-04.

Conditions:
Oculofaciocardiodental syndrome (MCOPS2). Identifiers: Orphanet 2712, MedGen C1846265, MONDO:0010261, OMIM 300166.

Allele frequency attached by ClinVar (database versions not stated): gnomAD 0.00005; gnomAD exomes 0.00006; ExAC 0.00008; ESP Exome Variant Server 0.00009; TOPMed 0.00009.
gnomAD v4.1: 71 of 1,209,080 alleles (0.0059%); highest among the groups gnomAD compares: East Asian, 0.062%; no homozygotes.

Submissions (2):

Women's Health and Genetics/Laboratory Corporation of America, LabCorp
Classification: Benign. Last evaluated: 2024-10-04. Review status: criteria provided, single submitter. Criteria: LabCorp Variant Classification Summary - May 2015. Collection method: clinical testing. Allele origin: germline.
Comment: Variant summary: BCOR c.3225C>T alters a non-conserved nucleotide resulting in a synonymous change. Consensus agreement among computation tools predict no significant impact on normal splicing. However, these predictions have yet to be confirmed by functional studies. The variant allele was found at a frequency of 0.00013 in 182727 control chromosomes, predominantly at a frequency of 0.0014 within the East Asian subpopulation in the gnomAD database. The observed variant frequency within East Asian control individuals in the gnomAD database exceeds the estimated maximal expected allele frequency for a pathogenic variant in BCOR causing Oculofaciocardiodental Syndrome phenotype. To our knowledge, no occurrence of c.3225C>T in individuals affected with Oculofaciocardiodental Syndrome and no experimental evidence demonstrating its impact on protein function have been reported. ClinVar contains an entry for this variant (Variation ID: 2891677). Based on the evidence outlined above, the variant was classified as benign.

Labcorp Genetics (formerly Invitae), Labcorp
Classification: Benign for Oculofaciocardiodental syndrome. Last evaluated: 2024-04-02. Review status: criteria provided, single submitter. Criteria: Invitae Variant Classification Sherloc (09022015). Collection method: clinical testing. Allele origin: germline.

Literature cited by the submitters: PubMed 24047651 (cited by Women's Health and Genetics/Laboratory Corporation of America, LabCorp); PubMed 22012066 (cited by Women's Health and Genetics/Laboratory Corporation of America, LabCorp); PubMed 28827447 (cited by Women's Health and Genetics/Laboratory Corporation of America, LabCorp); PubMed 30333627 (cited by Women's Health and Genetics/Laboratory Corporation of America, LabCorp); PubMed 29663558 (cited by Women's Health and Genetics/Laboratory Corporation of America, LabCorp).